The following is an entry in ClinVar:

ClinVar aggregate classification (germline): Uncertain significance. Review status: criteria provided, multiple submitters, no conflicts (2 of 4 stars). 3 submissions from 3 submitters: Uncertain significance (3). Last evaluated 2024-11-25.

Conditions:
Ehlers-Danlos syndrome, classic-like, 2. Identifiers: Orphanet 536532, MedGen C4693870, MONDO:0054813, OMIM 618000.

Allele frequency attached by ClinVar (database versions not stated): gnomAD 0.00001; gnomAD exomes 0.00001; TOPMed 0.00001.
gnomAD v4.1: 20 of 1,613,290 alleles (0.0012%); highest among the groups gnomAD compares: Non-Finnish European, 0.0017%; no homozygotes.

Submissions (3):

GeneDx
Classification: Uncertain significance. Last evaluated: 2024-11-25. Review status: criteria provided, single submitter. Criteria: GeneDx Variant Classification Process June 2021. Collection method: clinical testing. Allele origin: germline. Affected: yes.
Comment: Not observed at significant frequency in large population cohorts (gnomAD); In silico analysis indicates that this missense variant does not alter protein structure/function; Has not been previously published as pathogenic or benign to our knowledge

Revvity Omics, Revvity
Classification: Uncertain significance for Ehlers-Danlos syndrome, classic-like, 2. Last evaluated: 2024-11-07. Review status: criteria provided, single submitter. Criteria: ACMG Guidelines, 2015. Collection method: clinical testing. Allele origin: germline.

Labcorp Genetics (formerly Invitae), Labcorp
Classification: Uncertain significance. Last evaluated: 2022-07-21. Review status: criteria provided, single submitter. Criteria: Invitae Variant Classification Sherloc (09022015). Collection method: clinical testing. Allele origin: germline.
Comment: This variant is present in population databases (no rsID available, gnomAD 0.002%). This sequence change replaces proline, which is neutral and non-polar, with leucine, which is neutral and non-polar, at codon 209 of the AEBP1 protein (p.Pro209Leu). This variant has not been reported in the literature in individuals affected with AEBP1-related conditions. In summary, the available evidence is currently insufficient to determine the role of this variant in disease. Therefore, it has been classified as a Variant of Uncertain Significance. Algorithms developed to predict the effect of missense changes on protein structure and function output the following: SIFT: "Tolerated"; PolyPhen-2: "Benign"; Align-GVGD: "Class C0". The leucine amino acid residue is found in multiple mammalian species, which suggests that this missense change does not adversely affect protein function.

NM_001129.5(AEBP1):c.626C>T (p.Pro209Leu)

Gene: AEBP1 (AE binding protein 1; plus strand). Cytogenetic location: 7p13.
Variant type: single nucleotide variant.
Coding change: c.626C>T on transcript NM_001129.5 (MANE Select); coding-DNA position 626, C replaced by T.
Protein change: p.Pro209Leu; replaces proline 209 with leucine.
Molecular consequence: missense variant.
Genome position (GRCh38, 1-based): chr7:44,107,469, C>T. VCF-style: chr7-44107469-C-T. GRCh37 (hg19) VCF-style: chr7-44147068-C-T.
Other names: c.626C>T (NM_001129.4); short protein forms P209L.
Identifiers: ClinVar variation 2414432 (VCV002414432.6), dbSNP rs1290313218, ClinGen allele CA367358998.